The following is an entry in ClinVar:

ClinVar aggregate classification (germline): Uncertain significance (1 of 4 stars; one submission).

Conditions:
RYR1-related disorder. Also called: RYR1-related condition; RYR1-related disorders. Identifiers: MedGen CN239331.

Submission:

Labcorp Genetics (formerly Invitae), Labcorp
Classification: Uncertain significance for RYR1-related disorder. Last evaluated: 2023-10-29. Review status: criteria provided, single submitter. Criteria: Invitae Variant Classification Sherloc (09022015). Collection method: clinical testing. Allele origin: germline.
Comment: This sequence change replaces threonine, which is neutral and polar, with isoleucine, which is neutral and non-polar, at codon 1741 of the RYR1 protein (p.Thr1741Ile). This variant is not present in population databases (gnomAD no frequency). This variant has not been reported in the literature in individuals affected with RYR1-related conditions. Advanced modeling of protein sequence and biophysical properties (such as structural, functional, and spatial information, amino acid conservation, physicochemical variation, residue mobility, and thermodynamic stability) has been performed at Invitae for this missense variant, however the output from this modeling did not meet the statistical confidence thresholds required to predict the impact of this variant on RYR1 protein function. In summary, the available evidence is currently insufficient to determine the role of this variant in disease. Therefore, it has been classified as a Variant of Uncertain Significance.

NM_000540.3(RYR1):c.5222C>T (p.Thr1741Ile)

Gene: RYR1 (ryanodine receptor 1; plus strand). Cytogenetic location: 19q13.2.
Variant type: single nucleotide variant.
Coding change: c.5222C>T on transcript NM_000540.3 (MANE Select); coding-DNA position 5222, C replaced by T.
Protein change: p.Thr1741Ile; replaces threonine 1741 with isoleucine.
Molecular consequence: missense variant.
Genome position (GRCh38, 1-based): chr19:38,485,877, C>T. VCF-style: chr19-38485877-C-T. GRCh37 (hg19) VCF-style: chr19-38976517-C-T.
Other names: c.5222C>T, p.Thr1741Ile (NM_001042723.2); short protein forms T1741I.
Identifiers: ClinVar variation 2988570 (VCV002988570.1), dbSNP rs113916242, ClinGen allele CA405654218.
Genomic context (GRCh38, chr19:38,485,877, plus strand): 5'-GTGCCTGCCGCAGCCGCCGCTCCATGCTCTCTGAATACATCGTGCCCCTCACGCCTGAGA[C>T]CCGCGCCATCACGCTCTTCCCTCCTGGAAGGAGCACAGAAAATGGTCACCCCCGGCATGG-3'
Protein context (NP_000531.2, residues 1731-1751): SEYIVPLTPE[Thr1741Ile]RAITLFPPGR